The following is an entry in ClinVar:

NM_022552.5(DNMT3A):c.2676A>G (p.Ser892=)

Gene: DNMT3A (DNA methyltransferase 3 alpha; minus strand). Cytogenetic location: 2p23.3.
Variant type: single nucleotide variant.
Coding change: c.2676A>G on transcript NM_022552.5 (MANE Select); coding-DNA position 2676, A replaced by G.
Protein change: p.Ser892=; no amino-acid change (serine 892 retained).
Molecular consequence: synonymous variant. On other transcripts: non-coding transcript variant (1).
Genome position (GRCh38, 1-based): chr2:25,234,342, T>C on the plus strand (A>G on the coding strand, the complement: DNMT3A is on the minus strand). VCF-style: chr2-25234342-T-C. GRCh37 (hg19) VCF-style: chr2-25457211-T-C.
Other names: c.2676A>G, p.Ser892= (NM_175629.2); c.2220A>G, p.Ser740= (NM_001320893.1); c.2007A>G, p.Ser669= (NM_001375819.1); c.2109A>G, p.Ser703= (NM_153759.3); c.2676A>G (NM_022552.3).
Identifiers: ClinVar variation 499517 (VCV000499517.23), dbSNP rs763189481, ClinGen allele CA1555477.

ClinVar aggregate classification (germline): Conflicting classifications of pathogenicity. Review status: criteria provided, conflicting classifications (1 of 4 stars). 6 submissions from 6 submitters: Uncertain significance (1); Benign (2); Likely benign (2). 1 of the submissions does not count toward it. Last evaluated 2026-09-01.

Conditions:
Tatton-Brown-Rahman overgrowth syndrome. Also called: Tall stature-intellectual disability-facial dysmorphism syndrome; Tatton-Brown-Rahman syndrome. Identifiers: Orphanet 404443, MedGen C4014545, MONDO:0014382, OMIM 615879.
DNMT3A-related disorder. Also called: DNMT3A-related disorders; DNMT3A-related condition.
Inborn genetic diseases. Identifiers: MedGen C0950123, MeSH D030342.

Allele frequency attached by ClinVar (database versions not stated): gnomAD 0.00003; gnomAD exomes 0.00005 and 0.00027; TOPMed 0.00006; ExAC 0.00023.
gnomAD v4.1: 77 of 1,614,048 alleles (0.0048%); highest among the groups gnomAD compares: Admixed American, 0.13%; no homozygotes.

Submissions (6):

CeGaT Center for Human Genetics Tuebingen
Classification: Likely benign. Last evaluated: 2026-09-01. Review status: criteria provided, single submitter. Criteria: CeGaT Center For Human Genetics Tuebingen Variant Classification Criteria Version 2. Collection method: clinical testing. Allele origin: germline. Affected: yes. Observed: 2 variant alleles.
Comment: DNMT3A: BP4, BP7, BS1

Labcorp Genetics (formerly Invitae), Labcorp
Classification: Benign for Tatton-Brown-Rahman overgrowth syndrome. Last evaluated: 2025-05-30. Review status: criteria provided, single submitter. Criteria: Invitae Variant Classification Sherloc (09022015). Collection method: clinical testing. Allele origin: germline.

Ambry Genetics
Classification: Likely benign for Inborn genetic diseases. Last evaluated: 2024-11-18. Review status: criteria provided, single submitter. Criteria: Ambry Variant Classification Scheme 2023. Collection method: clinical testing. Allele origin: germline.

GeneDx
Classification: Benign. Last evaluated: 2019-10-08. Review status: criteria provided, single submitter. Criteria: GeneDx Variant Classification Process June 2021. Collection method: clinical testing. Allele origin: germline. Affected: yes.
Comment: This variant is associated with the following publications: (PMID: 21399634, 28767575)

Eurofins Ntd Llc (ga)
Classification: Uncertain significance. Last evaluated: 2017-01-17. Review status: criteria provided, single submitter. Criteria: EGL Classification Definitions 2015. Collection method: clinical testing. Allele origin: germline. Observed: 1 variant allele, 1 heterozygote.

PreventionGenetics, part of Exact Sciences
Classification: Likely benign for DNMT3A-related condition. Last evaluated: 2019-09-30. Review status: no assertion criteria provided. Collection method: clinical testing. Allele origin: germline. Not counted in ClinVar's aggregate classification.
Comment: This variant is classified as likely benign based on ACMG/AMP sequence variant interpretation guidelines (Richards et al. 2015 PMID: 25741868, with internal and published modifications).